The following is an entry in ClinVar:

ClinVar aggregate classification (germline): Likely benign. Review status: criteria provided, multiple submitters, no conflicts (2 of 4 stars). 5 submissions from 5 submitters: Likely benign (5). Last evaluated 2025-06-18.

Conditions:
Familial thoracic aortic aneurysm and aortic dissection (TAAD). Also called: Thoracic aortic aneurysms and dissections. Identifiers: Orphanet 91387, MedGen C4707243, MONDO:0019625.
Aneurysm-osteoarthritis syndrome. Also called: SMAD3-Related Loeys-Dietz Syndrome; ANEURYSMS-OSTEOARTHRITIS SYNDROME; LOEYS-DIETZ SYNDROME WITH OSTEOARTHRITIS; Loeys-Dietz syndrome, type 1C. Identifiers: Orphanet 284984, MedGen C3151087, MONDO:0013426, OMIM 613795.

Allele frequency attached by ClinVar (database versions not stated): gnomAD 0.00001; TOPMed 0.00001; gnomAD exomes 0.00003; ExAC 0.00004; ESP Exome Variant Server 0.00008.
gnomAD v4.1: 47 of 1,612,954 alleles (0.0029%); highest among the groups gnomAD compares: South Asian, 0.0099%; no homozygotes.

Submissions (5):

Labcorp Genetics (formerly Invitae), Labcorp
Classification: Likely benign for Familial thoracic aortic aneurysm and aortic dissection. Last evaluated: 2025-06-18. Review status: criteria provided, single submitter. Criteria: Invitae Variant Classification Sherloc (09022015). Collection method: clinical testing. Allele origin: germline.

All of Us Research Program, National Institutes of Health
Classification: Likely benign for Aneurysm-osteoarthritis syndrome. Last evaluated: 2023-12-13. Review status: criteria provided, single submitter. Criteria: ACMG Guidelines, 2015. Collection method: clinical testing. Allele origin: germline. Inheritance: Autosomal dominant inheritance. Observed: 5 variant alleles, 5 heterozygotes.
Comment: This study involves interpretation of variants in research participants for the purpose of population health screening. Participant phenotype was not available at the time of variant classification. Additional details can be found in publication PMID: 35346344, PMCID: PMC8962531

Ambry Genetics
Classification: Likely benign for Familial thoracic aortic aneurysm and aortic dissection. Last evaluated: 2022-08-03. Review status: criteria provided, single submitter. Criteria: Ambry Variant Classification Scheme 2023. Collection method: clinical testing. Allele origin: germline.

CeGaT Center for Human Genetics Tuebingen
Classification: Likely benign. Last evaluated: 2022-06-01. Review status: criteria provided, single submitter. Criteria: CeGaT Center For Human Genetics Tuebingen Variant Classification Criteria Version 2. Collection method: clinical testing. Allele origin: germline. Affected: yes. Observed: 1 variant allele.
Comment: SMAD3: BP4, BP7

Color Diagnostics, LLC DBA Color Health
Classification: Likely benign for Familial thoracic aortic aneurysm and aortic dissection. Last evaluated: 2020-03-09. Review status: criteria provided, single submitter. Criteria: ACMG Guidelines, 2015. Collection method: clinical testing. Allele origin: germline.

NM_005902.4(SMAD3):c.195C>T (p.Ile65=)

Gene: SMAD3 (SMAD family member 3; plus strand). Cytogenetic location: 15q22.33.
Variant type: single nucleotide variant.
Coding change: c.195C>T on transcript NM_005902.4 (MANE Select); coding-DNA position 195, C replaced by T.
Protein change: p.Ile65=; no amino-acid change (isoleucine 65 retained).
Molecular consequence: synonymous variant.
Genome position (GRCh38, 1-based): chr15:67,066,349, C>T. VCF-style: chr15-67066349-C-T. GRCh37 (hg19) VCF-style: chr15-67358687-C-T.
Identifiers: ClinVar variation 926025 (VCV000926025.44), dbSNP rs368462984, ClinGen allele CA061790.